The following is an entry in ClinVar:

NM_000038.6(APC):c.3175G>A (p.Glu1059Lys)

Gene: APC (APC regulator of Wnt signaling pathway; plus strand). Cytogenetic location: 5q22.2.
Variant type: single nucleotide variant.
Coding change: c.3175G>A on transcript NM_000038.6 (MANE Select); coding-DNA position 3175, G replaced by A.
Protein change: p.Glu1059Lys; replaces glutamic acid 1059 with lysine.
Molecular consequence: missense variant.
Genome position (GRCh38, 1-based): chr5:112,838,769, G>A. VCF-style: chr5-112838769-G-A. GRCh37 (hg19) VCF-style: chr5-112174466-G-A.
Other names: c.3175G>A, p.Glu1059Lys (NM_001127510.3, NM_001354895.2); c.3121G>A, p.Glu1041Lys (NM_001127511.3); c.3229G>A, p.Glu1077Lys (NM_001354896.2); c.3205G>A, p.Glu1069Lys (NM_001354897.2); c.3100G>A, p.Glu1034Lys (NM_001354898.2); c.3091G>A, p.Glu1031Lys (NM_001354899.2); c.3052G>A, p.Glu1018Lys (NM_001354900.2); c.2998G>A, p.Glu1000Lys (NM_001354901.2); and 6 more; short protein forms E1000K, E1018K, E1031K, E1034K, E1041K, E1059K, E1069K, E1077K.
Identifiers: ClinVar variation 1001748 (VCV001001748.12), dbSNP rs1253882360, ClinGen allele CA16028290.
Genomic context (GRCh38, chr5:112,838,769, plus strand): 5'-GGAAGGCAAAGTCCTTCACAGAATGAAAGATGGGCAAGACCCAAACACATAATAGAAGAT[G>A]AAATAAAACAAAGTGAGCAAAGACAATCAAGGAATCAAAGTACAACTTATCCTGTTTATA-3'
Protein context (NP_000029.2, residues 1049-1069): WARPKHIIED[Glu1059Lys]IKQSEQRQSR

ClinVar aggregate classification (germline): Uncertain significance. Review status: criteria provided, multiple submitters, no conflicts (2 of 4 stars). 3 submissions from 3 submitters: Uncertain significance (3). Last evaluated 2025-12-28.

Conditions:
Hereditary cancer-predisposing syndrome. Also called: Neoplastic Syndromes, Hereditary; Tumor predisposition; Hereditary Cancer Syndrome; Hereditary neoplastic syndrome. Identifiers: Orphanet 140162, MedGen C0027672, MeSH D009386, MONDO:0015356.
Familial adenomatous polyposis 1 (FAP1). Also called: FAMILIAL ADENOMATOUS POLYPOSIS 1, ATTENUATED; POLYPOSIS, ADENOMATOUS INTESTINAL. Identifiers: MedGen C2713442, MONDO:0021056, OMIM 175100. Disease mechanism: loss of function.

Allele frequency attached by ClinVar (database versions not stated): TOPMed below 0.00001; gnomAD 0.00001.

Submissions (3):

Labcorp Genetics (formerly Invitae), Labcorp
Classification: Uncertain significance for Familial adenomatous polyposis 1. Last evaluated: 2025-12-28. Review status: criteria provided, single submitter. Criteria: Invitae Variant Classification Sherloc (09022015). Collection method: clinical testing. Allele origin: germline.
Comment: This sequence change replaces glutamic acid, which is acidic and polar, with lysine, which is basic and polar, at codon 1059 of the APC protein (p.Glu1059Lys). This variant is not present in population databases (gnomAD no frequency). This variant has not been reported in the literature in individuals affected with APC-related conditions. ClinVar contains an entry for this variant (Variation ID: 1001748). Invitae Evidence Modeling of protein sequence and biophysical properties (such as structural, functional, and spatial information, amino acid conservation, physicochemical variation, residue mobility, and thermodynamic stability) indicates that this missense variant is not expected to disrupt APC protein function with a negative predictive value of 95%. In summary, the available evidence is currently insufficient to determine the role of this variant in disease. Therefore, it has been classified as a Variant of Uncertain Significance.

Color Diagnostics, LLC DBA Color Health
Classification: Uncertain significance for Hereditary cancer-predisposing syndrome. Last evaluated: 2025-07-09. Review status: criteria provided, single submitter. Criteria: ACMG Guidelines, 2015. Collection method: clinical testing. Allele origin: germline.
Comment: This missense variant replaces glutamic acid with lysine at codon 1059 of the APC protein. Computational prediction suggests that this variant may not impact protein structure and function. To our knowledge, functional studies have not been reported for this variant. This variant has not been reported in individuals affected with APC-related disorders in the literature. This variant has not been identified in the general population by the Genome Aggregation Database (gnomAD). The available evidence is insufficient to determine the role of this variant in disease conclusively. Therefore, this variant is classified as a Variant of Uncertain Significance.

Ambry Genetics
Classification: Uncertain significance for Hereditary cancer-predisposing syndrome. Last evaluated: 2025-04-25. Review status: criteria provided, single submitter. Criteria: Ambry Variant Classification Scheme 2023. Collection method: clinical testing. Allele origin: germline.
Comment: The p.E1059K variant (also known as c.3175G>A), located in coding exon 15 of the APC gene, results from a G to A substitution at nucleotide position 3175. The glutamic acid at codon 1059 is replaced by lysine, an amino acid with similar properties. This amino acid position is highly conserved in available vertebrate species. In addition, in silico predictors for this gene do not accurately predict pathogenicity. Missense alterations in APC are not a common cause of disease (Spier I et al. Genet Med. 2024 Feb;26(2):100992). Based on the available evidence, the clinical significance of this variant remains unclear.